The following is an entry in ClinVar:

NM_001079872.2(CUL4B):c.1257-10T>C

Gene: CUL4B (cullin 4B; minus strand). Cytogenetic location: Xq24.
Variant type: single nucleotide variant.
Coding change: c.1257-10T>C on transcript NM_001079872.2 (MANE Select); 10 bases into the intron before coding-DNA position 1257, T replaced by C.
Molecular consequence: intron variant.
Genome position (GRCh38, 1-based): chrX:120,543,043, A>G on the plus strand (T>C on the coding strand, the complement: CUL4B is on the minus strand). VCF-style: chrX-120543043-A-G. GRCh37 (hg19) VCF-style: chrX-119676898-A-G.
Other names: c.1311-10T>C (NM_003588.4); c.1272-10T>C (NM_001330624.2); c.723-10T>C (NM_001369145.1).
Identifiers: ClinVar variation 1769663 (VCV001769663.4), dbSNP rs1924093632, ClinGen allele CA2454903683.

ClinVar aggregate classification (germline): Uncertain significance. Review status: criteria provided, single submitter (1 of 4 stars). 2 submissions from 2 submitters: Uncertain significance (1). 1 of the submissions does not count toward it. Last evaluated 2014-09-16.

Conditions:
CUL4B-related disorder. Also called: CUL4B-related condition.
Inborn genetic diseases. Identifiers: MedGen C0950123, MeSH D030342.

Allele frequency attached by ClinVar (database versions not stated): TOPMed 0.00002.
gnomAD v4.1: 1 of 1,085,516 alleles (0.000092%); highest among the groups gnomAD compares: African/African-American, 0.0019%; no homozygotes.

Submissions (2):

Ambry Genetics
Classification: Uncertain significance for Inborn genetic diseases. Last evaluated: 2014-09-16. Review status: criteria provided, single submitter. Criteria: Ambry Variant Classification Scheme 2023. Collection method: clinical testing. Allele origin: germline.
Comment: The c.1311-10T>C intronic variant results from a T to C substitution 10 nucleotides upstream from coding exon 10 in the CUL4B gene. This variant was not reported in population based cohorts in the following databases: Database of Single Nucleotide Polymorphisms (dbSNP), NHLBI Exome Sequencing Project (ESP), and 1000 Genomes Project. In the ESP, this variant was not observed in 6491 samples with coverage at this position. Limited sequence alignment is available at this nucleotide position. Using the BDGP and ESEfinder splice site prediction tools, this alteration is not predicted to have any significant effect on this acceptor/donor splice site; however, direct evidence is unavailable. Since supporting evidence is limited at this time, the clinical significance of this variant remains unclear.

PreventionGenetics, part of Exact Sciences
Classification: Likely benign for CUL4B-related condition. Last evaluated: 2024-01-09. Review status: no assertion criteria provided. Collection method: clinical testing. Allele origin: germline. Not counted in ClinVar's aggregate classification.
Comment: This variant is classified as likely benign based on ACMG/AMP sequence variant interpretation guidelines (Richards et al. 2015 PMID: 25741868, with internal and published modifications).